The following is an entry in ClinVar:

ClinVar aggregate classification (germline): Uncertain significance. Review status: criteria provided, multiple submitters, no conflicts (2 of 4 stars). 3 submissions from 3 submitters: Uncertain significance (3). Last evaluated 2025-05-04.

Conditions:
Hereditary cancer-predisposing syndrome. Also called: Hereditary neoplastic syndrome; Tumor predisposition; Neoplastic Syndromes, Hereditary; Hereditary Cancer Syndrome. Identifiers: Orphanet 140162, MedGen C0027672, MeSH D009386, MONDO:0015356.
Familial adenomatous polyposis 1 (FAP1). Also called: FAMILIAL ADENOMATOUS POLYPOSIS 1, ATTENUATED; POLYPOSIS, ADENOMATOUS INTESTINAL. Identifiers: MedGen C2713442, MONDO:0021056, OMIM 175100. Disease mechanism: loss of function.

gnomAD v4.1: 2 of 1,612,622 alleles (0.00012%); highest among the groups gnomAD compares: Non-Finnish European, 0.00017%; no homozygotes.

Submissions (3):

Labcorp Genetics (formerly Invitae), Labcorp
Classification: Uncertain significance for Familial adenomatous polyposis 1. Last evaluated: 2025-05-04. Review status: criteria provided, single submitter. Criteria: Invitae Variant Classification Sherloc (09022015). Collection method: clinical testing. Allele origin: germline.
Comment: This sequence change replaces valine, which is neutral and non-polar, with isoleucine, which is neutral and non-polar, at codon 2777 of the APC protein (p.Val2777Ile). This variant is present in population databases (no rsID available, gnomAD 0.0009%). This variant has not been reported in the literature in individuals affected with APC-related conditions. ClinVar contains an entry for this variant (Variation ID: 657038). Invitae Evidence Modeling of protein sequence and biophysical properties (such as structural, functional, and spatial information, amino acid conservation, physicochemical variation, residue mobility, and thermodynamic stability) indicates that this missense variant is not expected to disrupt APC protein function with a negative predictive value of 95%. In summary, the available evidence is currently insufficient to determine the role of this variant in disease. Therefore, it has been classified as a Variant of Uncertain Significance.

Baylor Genetics
Classification: Uncertain significance for Familial adenomatous polyposis 1. Last evaluated: 2023-06-30. Review status: criteria provided, single submitter. Criteria: ACMG Guidelines, 2015. Collection method: clinical testing. Allele origin: unknown.

Ambry Genetics
Classification: Uncertain significance for Hereditary cancer-predisposing syndrome. Last evaluated: 2023-02-23. Review status: criteria provided, single submitter. Criteria: Ambry Variant Classification Scheme 2023. Collection method: clinical testing. Allele origin: germline.
Comment: The p.V2777I variant (also known as c.8329G>A), located in coding exon 15 of the APC gene, results from a G to A substitution at nucleotide position 8329. The valine at codon 2777 is replaced by isoleucine, an amino acid with highly similar properties. This amino acid position is highly conserved in available vertebrate species. In addition, in silico predictors for this gene do not accurately predict pathogenicity. Since supporting evidence is limited at this time, the clinical significance of this alteration remains unclear.

NM_000038.6(APC):c.8329G>A (p.Val2777Ile)

Gene: APC (APC regulator of Wnt signaling pathway; plus strand). Cytogenetic location: 5q22.2.
Variant type: single nucleotide variant.
Coding change: c.8329G>A on transcript NM_000038.6 (MANE Select); coding-DNA position 8329, G replaced by A.
Protein change: p.Val2777Ile; replaces valine 2777 with isoleucine.
Molecular consequence: missense variant.
Genome position (GRCh38, 1-based): chr5:112,843,923, G>A. VCF-style: chr5-112843923-G-A. GRCh37 (hg19) VCF-style: chr5-112179620-G-A.
Other names: c.8329G>A, p.Val2777Ile (NM_001127510.3, NM_001354895.2); c.8275G>A, p.Val2759Ile (NM_001127511.3); c.8383G>A, p.Val2795Ile (NM_001354896.2); c.8359G>A, p.Val2787Ile (NM_001354897.2); c.8254G>A, p.Val2752Ile (NM_001354898.2); c.8245G>A, p.Val2749Ile (NM_001354899.2); c.8206G>A, p.Val2736Ile (NM_001354900.2); c.8152G>A, p.Val2718Ile (NM_001354901.2); and 5 more; short protein forms V2617I, V2759I, V2494I, V2676I, V2736I, V2749I, V2777I, V2651I.
Identifiers: ClinVar variation 657038 (VCV000657038.16), dbSNP rs938418426, ClinGen allele CA16039404.